The following is an entry in ClinVar:

ClinVar aggregate classification (germline): Likely benign (1 of 4 stars; one submission).

Submission:

GeneDx
Classification: Likely benign. Last evaluated: 2018-06-04. Review status: criteria provided, single submitter. Criteria: GeneDx Variant Classification (06012015). Collection method: clinical testing. Allele origin: germline. Affected: yes.
Comment: This variant is considered likely benign or benign based on one or more of the following criteria: it is a conservative change, it occurs at a poorly conserved position in the protein, it is predicted to be benign by multiple in silico algorithms, and/or has population frequency not consistent with disease.

NM_177550.5(SLC13A5):c.63G>T (p.Pro21=)

Gene: SLC13A5 (solute carrier family 13 member 5; minus strand). Cytogenetic location: 17p13.1.
Variant type: single nucleotide variant.
Coding change: c.63G>T on transcript NM_177550.5 (MANE Select); coding-DNA position 63, G replaced by T.
Protein change: p.Pro21=; no amino-acid change (proline 21 retained).
Molecular consequence: synonymous variant.
Genome position (GRCh38, 1-based): chr17:6,713,271, C>A on the plus strand (G>T on the coding strand, the complement: SLC13A5 is on the minus strand). VCF-style: chr17-6713271-C-A. GRCh37 (hg19) VCF-style: chr17-6616590-C-A.
Other names: c.63G>T, p.Pro21= (NM_001143838.3, NM_001284509.2, NM_001284510.2).
Identifiers: ClinVar variation 669207 (VCV000669207.1), dbSNP rs1597686030, ClinGen allele CA497596879.